The following is an entry in ClinVar:

ClinVar aggregate classification (germline): Conflicting classifications of pathogenicity. Review status: criteria provided, conflicting classifications (1 of 4 stars). 7 submissions from 7 submitters: Pathogenic (2); Likely pathogenic (3); Uncertain significance (1). 1 of the submissions does not count toward it. Last evaluated 2025-06-01.

Conditions:
Juvenile polyposis syndrome (JPS). Identifiers: Orphanet 2929, MedGen C0345893, MONDO:0017380, OMIM 174900.
Hereditary cancer-predisposing syndrome. Also called: Neoplastic Syndromes, Hereditary; Hereditary Cancer Syndrome; Tumor predisposition; Hereditary neoplastic syndrome. Identifiers: Orphanet 140162, MedGen C0027672, MeSH D009386, MONDO:0015356.
Generalized juvenile polyposis/juvenile polyposis coli. Also called: Juvenile polyposis coli. Identifiers: Orphanet 329971, MedGen C1868081, MONDO:0008276.
Polyposis syndrome, hereditary mixed, 2. Identifiers: Orphanet 157794, MedGen C1864730, MONDO:0012405, OMIM 610069.

Submissions (7):

Labcorp Genetics (formerly Invitae), Labcorp
Classification: Pathogenic for Juvenile polyposis syndrome. Last evaluated: 2025-06-01. Review status: criteria provided, single submitter. Criteria: Invitae Variant Classification Sherloc (09022015). Collection method: clinical testing. Allele origin: germline.
Comment: This sequence change replaces arginine, which is basic and polar, with tryptophan, which is neutral and slightly polar, at codon 480 of the BMPR1A protein (p.Arg480Trp). This variant is not present in population databases (gnomAD no frequency). This missense change has been observed in individuals with juvenile polyposis (PMID: 18178612; internal data). It has also been observed to segregate with disease in related individuals. ClinVar contains an entry for this variant (Variation ID: 230346). Invitae Evidence Modeling incorporating data from in vitro experimental studies (internal data) indicates that this missense variant is expected to disrupt BMPR1A function with a positive predictive value of 95%. For these reasons, this variant has been classified as Pathogenic.

GeneDx
Classification: Likely pathogenic. Last evaluated: 2025-01-13. Review status: criteria provided, single submitter. Criteria: GeneDx Variant Classification Process June 2021. Collection method: clinical testing. Allele origin: germline. Affected: yes.
Comment: Not observed at significant frequency in large population cohorts (gnomAD); In silico analysis supports that this missense variant has a deleterious effect on protein structure/function; This variant is associated with the following publications: (PMID: 18178612, 33032550, 30884445, 28944238)

Women's Health and Genetics/Laboratory Corporation of America, LabCorp
Classification: Pathogenic for Juvenile polyposis syndrome. Last evaluated: 2024-11-30. Review status: criteria provided, single submitter. Criteria: LabCorp Variant Classification Summary - May 2015. Collection method: clinical testing. Allele origin: germline.
Comment: Variant summary: BMPR1A c.1438C>T (p.Arg480Trp) results in a non-conservative amino acid change located in the Protein kinase domain (IPR000719) of the encoded protein sequence. Five of five in-silico tools predict a damaging effect of the variant on protein function. One computational approach evaluating the impact of non-synonymous single nucleotide polymorphisms on the BMPR1A protein predicts a deleterious outcome for this variant (Islam_2019). The variant was absent in 251492 control chromosomes. c.1438C>T has been reported in the literature in at-least one individual affected with Juvenile Polyposis Syndrome and has been subsequently cited by others (example, van Hattem_2008, Liu_2020, Papadopulos_2023). It has also been observed in individuals with features of Juvenile Polyposis Syndrome via internal testing. These data indicate that the variant is very likely to be associated with disease. To our knowledge, no experimental evidence demonstrating an impact on protein function has been reported. The following publications have been ascertained in the context of this evaluation (PMID: 33032550, 37400896, 30884445, 18178612, Internal testing). ClinVar contains an entry for this variant (Variation ID: 230346). Based on the evidence outlined above, the variant was classified as pathogenic.

Molecular Pathology, Peter Maccallum Cancer Centre
Classification: Likely pathogenic for Generalized juvenile polyposis/juvenile polyposis coli. Last evaluated: 2024-04-20. Review status: criteria provided, single submitter. Criteria: ACMG Guidelines, 2015. Collection method: clinical testing. Allele origin: germline. Inheritance: Autosomal dominant inheritance.

Ambry Genetics
Classification: Likely pathogenic for Hereditary cancer-predisposing syndrome. Last evaluated: 2020-06-22. Review status: criteria provided, single submitter. Criteria: Ambry Variant Classification Scheme 2023. Collection method: clinical testing. Allele origin: germline.
Comment: The p.R480W variant (also known as c.1438C>T), located in coding exon 10 of the BMPR1A gene, results from a C to T substitution at nucleotide position 1438. The arginine at codon 480 is replaced by tryptophan, an amino acid with dissimilar properties. This variant was detected in 1/27 patients with juvenile polyposis syndrome (JPS) and was not seen in any of the 134 healthy control subjects (van Hattem W et al. Gut. 2008 May; 57(5):623-7). In our internal clinical cohort, this alteration has been seen in multiple individuals with JPS and segregated with disease in one family (Ambry internal data). One study, using multiple computational prediction models to determine the impact of non-synonymous single nucleotide polymorphisms in the BMPR1A gene, predicts that the p.R480W alteration is likely to increase disease susceptibility by altering protein structure or function (Islam MJ et al. Comput Biol Chem, 2019 Jun;80:31-45). This amino acid position is highly conserved in available vertebrate species. In addition, this alteration is predicted to be deleterious by in silico analysis. Based on the majority of available evidence to date, this variant is likely to be pathogenic.

CeGaT Center for Human Genetics Tuebingen
Classification: Uncertain significance. Last evaluated: 2017-04-01. Review status: criteria provided, single submitter. Criteria: CeGaT Center For Human Genetics Tuebingen Variant Classification Criteria Version 2. Collection method: clinical testing. Allele origin: germline. Affected: yes. Observed: 1 variant allele.

Department of Pathology and Laboratory Medicine, Sinai Health System
Classification: Likely pathogenic for Polyposis syndrome, hereditary mixed, 2. Review status: no assertion criteria provided. Collection method: clinical testing. Allele origin: unknown. Affected: yes. Study: The Canadian Open Genetics Repository (COGR). Not counted in ClinVar's aggregate classification.
Comment: The BMPR1A p.Arg480Trp variant was identified in 1 of 58 proband chromosomes (frequency: 0.02) from individuals or families with Juvenile polyposis syndrome and was not identified in 134 control chromosomes from healthy individuals (van Hattem 2007). The variant was also identified in dbSNP (ID: rs876658515) as "With Likely pathogenic allele", ClinVar (classified as likely pathogenic by Ambry Genetics; as uncertain significance by Invitae, GeneDx, and one clinical laboratory), Cosmic (6x in kidney or large intestine), and in LOVD 3.0 (1x). The variant was not identified in the MutDB, the Exome Aggregation Consortium (August 8th 2016), or the Genome Aggregation Database (Feb 27, 2017). The p.Arg480 residue is conserved across mammals and other organisms, and computational analyses (PolyPhen-2, SIFT, AlignGVGD, BLOSUM, MutationTaster) suggest that the variant may impact the protein; however, this information is not predictive enough to assume pathogenicity. The variant occurs outside of the splicing consensus sequence and in silico or computational prediction software programs (SpliceSiteFinder, MaxEntScan, NNSPLICE, GeneSplicer) do not predict a difference in splicing. In summary, based on the above information the clinical significance of this variant cannot be determined with certainty at this time although we would lean towards a more pathogenic role for this variant. This variant is classified as likely pathogenic.

Literature cited by the submitters: PubMed 18178612 (cited by 3 submitters); PubMed 30884445 (cited by Women's Health and Genetics/Laboratory Corporation of America, LabCorp and Ambry Genetics); PubMed 33032550 (cited by Women's Health and Genetics/Laboratory Corporation of America, LabCorp); PubMed 37400896 (cited by Women's Health and Genetics/Laboratory Corporation of America, LabCorp).

NM_004329.3(BMPR1A):c.1438C>T (p.Arg480Trp)

Gene: BMPR1A (bone morphogenetic protein receptor type 1A; plus strand). Cytogenetic location: 10q23.2.
Variant type: single nucleotide variant.
Coding change: c.1438C>T on transcript NM_004329.3 (MANE Select); coding-DNA position 1438, C replaced by T.
Protein change: p.Arg480Trp; replaces arginine 480 with tryptophan.
Molecular consequence: missense variant.
Genome position (GRCh38, 1-based): chr10:86,923,471, C>T. VCF-style: chr10-86923471-C-T. GRCh37 (hg19) VCF-style: chr10-88683228-C-T.
Other names: short protein forms R480W.
Identifiers: ClinVar variation 230346 (VCV000230346.64), dbSNP rs876658515, ClinGen allele CA10578898.